The following is an entry in ClinVar:

NM_000051.4(ATM):c.8249_8258delinsCAAATAGT (p.Leu2750fs)

Genes: ATM (ATM serine/threonine kinase; plus strand), C11orf65 (chromosome 11 open reading frame 65; minus strand). Cytogenetic location: 11q22.3.
Variant type: Indel.
Coding change: c.8249_8258delinsCAAATAGT on transcript NM_000051.4 (MANE Select); coding-DNA positions 8249 to 8258, TAACTATCTG replaced by CAAATAGT.
Protein change: p.Leu2750fs; shifts the reading frame from leucine 2750.
Molecular consequence: frameshift variant. On other transcripts: intron variant (2).
Genome position (GRCh38, 1-based): chr11:108,335,942-108,335,951, TAACTATCTG replaced by CAAATAGT. VCF-style: chr11-108335942-TAACTATCTG-CAAATAGT. GRCh37 (hg19) VCF-style: chr11-108206669-TAACTATCTG-CAAATAGT.
Other names: c.8249_8258delinsCAAATAGT, p.Leu2750fs (NM_001351834.2); c.641-26880_641-26871delinsACTATTTG (NM_001330368.2); c.695-659_695-650delinsACTATTTG (NM_001351110.2); c.8249_8258del10insCAAATAGT (NM_000051.3); short protein forms L2750fs.
Identifiers: ClinVar variation 1762610 (VCV001762610.2), dbSNP rs2547348591, ClinGen allele CA2580083136.
Genomic context (GRCh38, chr11:108,335,942, plus strand): 5'-AGGTCTTCCAGATGTGTAATACATTACTGCAGAGAAACACGGAAACTAGGAAGAGGAAAT[TAACTATCTG>CAAATAGT]TACTTATAAGGTAACTATTTGTACTTCTGTTAGTTCACCAAAAACATATAAAAGATGCCA-3'

ClinVar aggregate classification (germline): Pathogenic. Review status: criteria provided, multiple submitters, no conflicts (2 of 4 stars). 2 submissions from 2 submitters: Pathogenic (2). Last evaluated 2024-02-02.

Conditions:
Hereditary cancer-predisposing syndrome. Also called: Hereditary neoplastic syndrome; Neoplastic Syndromes, Hereditary; Tumor predisposition; Hereditary Cancer Syndrome. Identifiers: Orphanet 140162, MedGen C0027672, MeSH D009386, MONDO:0015356.
Familial cancer of breast. Also called: Hereditary breast cancer; hereditary breast carcinoma; BREAST CANCER, FAMILIAL. Identifiers: Orphanet 227535, MedGen C0346153, MONDO:0016419, OMIM 114480. Disease mechanism: loss of function.

Submissions (2):

Myriad Genetics, Inc.
Classification: Pathogenic for Familial cancer of breast. Last evaluated: 2024-02-02. Review status: criteria provided, single submitter. Criteria: Myriad Autosomal Dominant, Autosomal Recessive and X-Linked Classification Criteria (2023). Collection method: clinical testing. Allele origin: unknown.
Comment: This variant is considered pathogenic. This variant creates a frameshift predicted to result in premature protein truncation.

Ambry Genetics
Classification: Pathogenic for Hereditary cancer-predisposing syndrome. Last evaluated: 2017-07-10. Review status: criteria provided, single submitter. Criteria: Ambry Variant Classification Scheme 2023. Collection method: clinical testing. Allele origin: germline.
Comment: The c.8249_8258del10insCAAATAGT pathogenic mutation, located in coding exon 55 of the ATM gene, results from the deletion of 10 nucleotides and insertion of 8 nucleotides causing a translational frameshift with a predicted alternate stop codon (p.L2750Sfs*6). This alteration is expected to result in loss of function by premature protein truncation or nonsense-mediated mRNA decay. As such, this alteration is interpreted as a disease-causing mutation.